The following is an entry in ClinVar:

NM_001363711.2(DUOX2):c.2663T>C (p.Ile888Thr)

Gene: DUOX2 (dual oxidase 2; minus strand). Cytogenetic location: 15q21.1.
Variant type: single nucleotide variant.
Coding change: c.2663T>C on transcript NM_001363711.2 (MANE Select); coding-DNA position 2663, T replaced by C.
Protein change: p.Ile888Thr; replaces isoleucine 888 with threonine.
Molecular consequence: missense variant.
Genome position (GRCh38, 1-based): chr15:45,101,981, A>G on the plus strand (T>C on the coding strand, the complement: DUOX2 is on the minus strand). VCF-style: chr15-45101981-A-G. GRCh37 (hg19) VCF-style: chr15-45394179-A-G.
Other names: c.2663T>C, p.Ile888Thr (NM_014080.5); short protein forms I888T.
Identifiers: ClinVar variation 1944586 (VCV001944586.5), dbSNP rs2504757206, ClinGen allele CA392267535.
Genomic context (GRCh38, chr15:45,101,981, plus strand): 5'-AACATAGACTCCACCACCTCGGCCAGCTGGGCCTTGGACAGGCAGTTGTTGGAGATCTCG[A>G]TGAAGGATCTGGAGGAGGACCAGAGACACAGCAGCCTGTCACCCAGCAAGGTCAGGCTTG-3'
Protein context (NP_001350640.1, residues 878-898): DEFFTMMRSF[Ile888Thr]EISNNCLSKA

ClinVar aggregate classification (germline): Uncertain significance (1 of 4 stars; one submission).

gnomAD v4.1: 1 of 1,614,088 alleles (0.000062%); highest among the groups gnomAD compares: African/African-American, 0.0013%; no homozygotes.

Submission:

Labcorp Genetics (formerly Invitae), Labcorp
Classification: Uncertain significance. Last evaluated: 2022-03-19. Review status: criteria provided, single submitter. Criteria: Invitae Variant Classification Sherloc (09022015). Collection method: clinical testing. Allele origin: germline.
Comment: In summary, the available evidence is currently insufficient to determine the role of this variant in disease. Therefore, it has been classified as a Variant of Uncertain Significance. Advanced modeling of protein sequence and biophysical properties (such as structural, functional, and spatial information, amino acid conservation, physicochemical variation, residue mobility, and thermodynamic stability) performed at Invitae indicates that this missense variant is not expected to disrupt DUOX2 protein function. This variant has not been reported in the literature in individuals affected with DUOX2-related conditions. This variant is not present in population databases (gnomAD no frequency). This sequence change replaces isoleucine, which is neutral and non-polar, with threonine, which is neutral and polar, at codon 888 of the DUOX2 protein (p.Ile888Thr).